The following is an entry in ClinVar:

NM_002529.4(NTRK1):c.1177+31C>T

Gene: NTRK1 (neurotrophic receptor tyrosine kinase 1; plus strand). Cytogenetic location: 1q23.1.
Variant type: single nucleotide variant.
Coding change: c.1177+31C>T on transcript NM_002529.4 (MANE Select); 31 bases into the intron after coding-DNA position 1177, C replaced by T.
Molecular consequence: intron variant.
Genome position (GRCh38, 1-based): chr1:156,873,990, C>T. VCF-style: chr1-156873990-C-T. GRCh37 (hg19) VCF-style: chr1-156843782-C-T.
Other names: c.1087+31C>T (NM_001007792.1); c.1177+31C>T (NM_001012331.2).
Identifiers: ClinVar variation 2498432 (VCV002498432.28), dbSNP rs16837732, ClinGen allele CA1169209.

ClinVar aggregate classification (germline): Likely benign (1 of 4 stars; one submission).

Allele frequency attached by ClinVar (database versions not stated): 1000 Genomes Project 0.00220; 1000 Genomes Project 30x 0.00250; ESP Exome Variant Server 0.00335; TOPMed 0.00410; ExAC 0.00431; gnomAD 0.00498; gnomAD exomes 0.00667.
gnomAD v4.1: 9,962 of 1,543,040 alleles (0.65%); highest among the groups gnomAD compares: Non-Finnish European, 0.74%; 54 homozygotes.

Submission:

CeGaT Center for Human Genetics Tuebingen
Classification: Likely benign. Last evaluated: 2026-10-01. Review status: criteria provided, single submitter. Criteria: CeGaT Center For Human Genetics Tuebingen Variant Classification Criteria Version 2. Collection method: clinical testing. Allele origin: germline. Affected: yes. Observed: 20 variant alleles.
Comment: NTRK1: BS2